The following is an entry in ClinVar:

ClinVar aggregate classification (germline): Benign/Likely benign. Review status: criteria provided, multiple submitters, no conflicts (2 of 4 stars). 10 submissions from 10 submitters: Benign (7); Likely benign (3). Last evaluated 2026-03-27.

Conditions:
Aortic aneurysm, familial thoracic 7 (AAT7). Also called: AORTIC DISSECTION, FAMILIAL, WITH OR WITHOUT AORTIC ANEURYSM. Identifiers: MedGen C3151077, MONDO:0013418, OMIM 613780.
Familial thoracic aortic aneurysm and aortic dissection (TAAD). Also called: Thoracic aortic aneurysms and dissections. Identifiers: Orphanet 91387, MedGen C4707243, MONDO:0019625.

Allele frequency attached by ClinVar (database versions not stated): ExAC 0.00085; 1000 Genomes Project 30x 0.00203; 1000 Genomes Project 0.00240; gnomAD 0.00256 and 0.00277; TOPMed 0.00280; ESP Exome Variant Server 0.00323.
gnomAD v4.1: 798 of 1,614,172 alleles (0.049%); highest among the groups gnomAD compares: African/African-American, 0.95%; 4 homozygotes.

Submissions (10):

Molecular Diagnostic Laboratory for Inherited Cardiovascular Disease, Montreal Heart Institute
Classification: Likely benign. Last evaluated: 2026-03-27. Review status: criteria provided, single submitter. Criteria: ACMG Guidelines, 2015. Collection method: clinical testing. Allele origin: germline. Affected: no.
Comment: BS1;BP7

Labcorp Genetics (formerly Invitae), Labcorp
Classification: Benign for Aortic aneurysm, familial thoracic 7. Last evaluated: 2026-01-06. Review status: criteria provided, single submitter. Criteria: Invitae Variant Classification Sherloc (09022015). Collection method: clinical testing. Allele origin: germline.

Mayo Clinic Laboratories, Mayo Clinic
Classification: Benign. Last evaluated: 2024-12-09. Review status: criteria provided, single submitter. Criteria: ACMG Guidelines, 2015. Collection method: clinical testing. Allele origin: germline. Observed: 2 variant alleles.
Comment: BS1, BS2

Blueprint Genetics
Classification: Likely benign. Last evaluated: 2024-08-06. Review status: criteria provided, single submitter. Criteria: ACMG Guidelines, 2015. Collection method: clinical testing. Allele origin: germline.

Women's Health and Genetics/Laboratory Corporation of America, LabCorp
Classification: Benign. Last evaluated: 2024-05-13. Review status: criteria provided, single submitter. Criteria: LabCorp Variant Classification Summary - May 2015. Collection method: clinical testing. Allele origin: germline.

ARUP Laboratories, Molecular Genetics and Genomics, ARUP Laboratories
Classification: Benign. Last evaluated: 2023-10-16. Review status: criteria provided, single submitter. Criteria: ARUP Molecular Germline Variant Investigation Process 2024. Collection method: clinical testing. Allele origin: germline.

Illumina Laboratory Services, Illumina
Classification: Likely benign for Aortic aneurysm, familial thoracic 7. Last evaluated: 2018-01-13. Review status: criteria provided, single submitter. Criteria: ICSL Variant Classification Criteria 13 December 2019. Collection method: clinical testing. Allele origin: germline.
Comment: This variant was observed in the ICSL laboratory as part of a predisposition screen in an ostensibly healthy population. It had not been previously curated by ICSL or reported in the Human Gene Mutation Database (HGMD: prior to June 1st, 2018), and was therefore a candidate for classification through an automated scoring system. Utilizing variant allele frequency, disease prevalence and penetrance estimates, and inheritance mode, an automated score was calculated to assess if this variant is too frequent to cause the disease. Based on the score and internal cut-off values, a variant classified as likely benign is not then subjected to further curation. The score for this variant resulted in a classification of likely benign for this disease.

GeneDx
Classification: Benign. Last evaluated: 2017-08-15. Review status: criteria provided, single submitter. Criteria: GeneDx Variant Classification (06012015). Collection method: clinical testing. Allele origin: germline. Affected: yes.
Comment: This variant is considered likely benign or benign based on one or more of the following criteria: it is a conservative change, it occurs at a poorly conserved position in the protein, it is predicted to be benign by multiple in silico algorithms, and/or has population frequency not consistent with disease.

Ambry Genetics
Classification: Benign for Familial thoracic aortic aneurysm and aortic dissection. Last evaluated: 2016-03-07. Review status: criteria provided, single submitter. Criteria: Ambry Variant Classification Scheme 2023. Collection method: clinical testing. Allele origin: germline.

Eurofins Ntd Llc (ga)
Classification: Benign. Last evaluated: 2015-05-22. Review status: criteria provided, single submitter. Criteria: EGL Classification Definitions 2015. Collection method: clinical testing. Allele origin: germline. Observed: 1 variant allele, 1 heterozygote.

NM_053025.4(MYLK):c.984G>A (p.Ser328=)

Gene: MYLK (myosin light chain kinase; minus strand). Cytogenetic location: 3q21.1.
Variant type: single nucleotide variant.
Coding change: c.984G>A on transcript NM_053025.4 (MANE Select); coding-DNA position 984, G replaced by A.
Protein change: p.Ser328=; no amino-acid change (serine 328 retained).
Molecular consequence: synonymous variant.
Genome position (GRCh38, 1-based): chr3:123,734,012, C>T on the plus strand (G>A on the coding strand, the complement: MYLK is on the minus strand). VCF-style: chr3-123734012-C-T. GRCh37 (hg19) VCF-style: chr3-123452859-C-T.
Other names: p.Ser328=; c.984G>A, p.Ser328= (NM_053028.4, NM_053027.4, NM_053026.4); c.456G>A, p.Ser152= (NM_001321309.2).
Identifiers: ClinVar variation 193751 (VCV000193751.34), dbSNP rs115018449, ClinGen allele CA024867.